The following is an entry in ClinVar:

NM_001953.5(TYMP):c.242G>A (p.Arg81Gln)

Genes: TYMP (thymidine phosphorylase; minus strand), LOC130067864 (ATAC-STARR-seq lymphoblastoid active region 19325; plus strand). Cytogenetic location: 22q13.33.
Variant type: single nucleotide variant.
Coding change: c.242G>A on transcript NM_001953.5 (MANE Select); coding-DNA position 242, G replaced by A.
Protein change: p.Arg81Gln; replaces arginine 81 with glutamine.
Molecular consequence: missense variant.
Genome position (GRCh38, 1-based): chr22:50,529,311, C>T on the plus strand (G>A on the coding strand, the complement: TYMP is on the minus strand). VCF-style: chr22-50529311-C-T. GRCh37 (hg19) VCF-style: chr22-50967740-C-T.
Other names: p.R81Q:CGG>CAG; c.242G>A, p.Arg81Gln (LRG_727t1, LRG_727t2, NM_001113755.3 and 3 more transcripts); short protein forms R81Q.
Identifiers: ClinVar variation 137872 (VCV000137872.53), dbSNP rs143789597, ClinGen allele CA291564.

ClinVar aggregate classification (germline): Conflicting classifications of pathogenicity. Review status: criteria provided, conflicting classifications (1 of 4 stars). 8 submissions from 8 submitters: Uncertain significance (1); Benign (2); Likely benign (4). 1 of the submissions does not count toward it. Last evaluated 2026-08-01.

Conditions:
TYMP-related disorder. Also called: TYMP-related condition.
Mitochondrial DNA depletion syndrome 1. Also called: MITOCHONDRIAL NEUROGASTROINTESTINAL ENCEPHALOPATHY SYNDROME, TYMP-RELATED; MNGIE, TYMP-RELATED; Mitochondrial DNA depletion syndrome 1 (MNGIE type); POLIP SYNDROME; POLYNEUROPATHY, OPHTHALMOPLEGIA, LEUKOENCEPHALOPATHY, AND INTESTINAL PSEUDOOBSTRUCTION; Mitochondrial neurogastrointestinal encephalomyopathy syndrome. Identifiers: Orphanet 298, MedGen C4551995, MONDO:0011283, OMIM 603041.

Allele frequency attached by ClinVar (database versions not stated): ExAC 0.00113; gnomAD exomes 0.00130 and 0.00172; ESP Exome Variant Server 0.00131; gnomAD 0.00132 and 0.00135; 1000 Genomes Project 0.00140; TOPMed 0.00148; 1000 Genomes Project 30x 0.00172.
gnomAD v4.1: 2,728 of 1,613,376 alleles (0.17%); highest among the groups gnomAD compares: Non-Finnish European, 0.2%; 3 homozygotes.

Submissions (8):

CeGaT Center for Human Genetics Tuebingen
Classification: Likely benign. Last evaluated: 2026-08-01. Review status: criteria provided, single submitter. Criteria: CeGaT Center For Human Genetics Tuebingen Variant Classification Criteria Version 2. Collection method: clinical testing. Allele origin: germline. Affected: yes. Observed: 3 variant alleles.
Comment: TYMP: BP4

Labcorp Genetics (formerly Invitae), Labcorp
Classification: Likely benign. Last evaluated: 2026-01-28. Review status: criteria provided, single submitter. Criteria: Invitae Variant Classification Sherloc (09022015). Collection method: clinical testing. Allele origin: germline.

Blueprint Genetics
Classification: Likely benign. Last evaluated: 2024-11-26. Review status: criteria provided, single submitter. Criteria: ACMG Guidelines, 2015. Collection method: clinical testing. Allele origin: germline.

ARUP Laboratories, Molecular Genetics and Genomics, ARUP Laboratories
Classification: Benign for Mitochondrial DNA depletion syndrome 1. Last evaluated: 2021-02-25. Review status: criteria provided, single submitter. Criteria: ARUP Molecular Germline Variant Investigation Process 2021. Collection method: clinical testing. Allele origin: germline.

Center for Pediatric Genomic Medicine, Children's Mercy Hospital and Clinics
Classification: Likely benign. Last evaluated: 2017-06-15. Review status: criteria provided, single submitter. Criteria: ACMG Guidelines, 2015. Collection method: clinical testing. Allele origin: germline.

Illumina Laboratory Services, Illumina
Classification: Uncertain significance for Mitochondrial DNA depletion syndrome 1. Last evaluated: 2017-04-27. Review status: criteria provided, single submitter. Criteria: ICSL Variant Classification Criteria 13 December 2019. Collection method: clinical testing. Allele origin: germline.

GeneDx
Classification: Benign. Last evaluated: 2014-05-05. Review status: criteria provided, single submitter. Criteria: GeneDx Variant Classification (06012015). Collection method: clinical testing. Allele origin: germline. Affected: yes.
Comment: This variant is considered likely benign or benign based on one or more of the following criteria: it is a conservative change, it occurs at a poorly conserved position in the protein, it is predicted to be benign by multiple in silico algorithms, and/or has population frequency not consistent with disease.

PreventionGenetics, part of Exact Sciences
Classification: Likely benign for TYMP-related condition. Last evaluated: 2022-03-28. Review status: no assertion criteria provided. Collection method: clinical testing. Allele origin: germline. Not counted in ClinVar's aggregate classification.
Comment: This variant is classified as likely benign based on ACMG/AMP sequence variant interpretation guidelines (Richards et al. 2015 PMID: 25741868, with internal and published modifications).